The following is an entry in ClinVar:

ClinVar aggregate classification (germline): Uncertain significance. Review status: criteria provided, multiple submitters, no conflicts (2 of 4 stars). 2 submissions from 2 submitters: Uncertain significance (2). Last evaluated 2025-11-02.

Conditions:
Hereditary cancer-predisposing syndrome. Also called: Neoplastic Syndromes, Hereditary; Tumor predisposition; Hereditary neoplastic syndrome; Hereditary Cancer Syndrome. Identifiers: Orphanet 140162, MedGen C0027672, MeSH D009386, MONDO:0015356.
Familial cancer of breast. Also called: BREAST CANCER, FAMILIAL; Hereditary breast cancer; hereditary breast carcinoma. Identifiers: Orphanet 227535, MedGen C0346153, MONDO:0016419, OMIM 114480. Disease mechanism: loss of function.

Allele frequency attached by ClinVar (database versions not stated): gnomAD 0.00001; ExAC 0.00002.
gnomAD v4.1: 12 of 1,613,766 alleles (0.00074%); highest among the groups gnomAD compares: South Asian, 0.013%; no homozygotes.

Submissions (2):

Ambry Genetics
Classification: Uncertain significance for Hereditary cancer-predisposing syndrome. Last evaluated: 2025-11-02. Review status: criteria provided, single submitter. Criteria: Ambry Variant Classification Scheme 2023. Collection method: clinical testing. Allele origin: germline.
Comment: The p.S313C variant (also known as c.938C>G), located in coding exon 4 of the BARD1 gene, results from a C to G substitution at nucleotide position 938. The serine at codon 313 is replaced by cysteine, an amino acid with dissimilar properties. This amino acid position is conserved. In addition, this alteration is predicted to be tolerated by in silico analysis. Since supporting evidence is limited at this time, the clinical significance of this alteration remains unclear.

Labcorp Genetics (formerly Invitae), Labcorp
Classification: Uncertain significance for Familial cancer of breast. Last evaluated: 2024-07-01. Review status: criteria provided, single submitter. Criteria: Invitae Variant Classification Sherloc (09022015). Collection method: clinical testing. Allele origin: germline.
Comment: This sequence change replaces serine, which is neutral and polar, with cysteine, which is neutral and slightly polar, at codon 313 of the BARD1 protein (p.Ser313Cys). This variant is present in population databases (rs202118376, gnomAD 0.01%). This variant has not been reported in the literature in individuals affected with BARD1-related conditions. ClinVar contains an entry for this variant (Variation ID: 1387009). Algorithms developed to predict the effect of missense changes on protein structure and function output the following: SIFT: "Not Available"; PolyPhen-2: "Benign"; Align-GVGD: "Not Available". The cysteine amino acid residue is found in multiple mammalian species, which suggests that this missense change does not adversely affect protein function. In summary, the available evidence is currently insufficient to determine the role of this variant in disease. Therefore, it has been classified as a Variant of Uncertain Significance.

NM_000465.4(BARD1):c.938C>G (p.Ser313Cys)

Gene: BARD1 (BRCA1 associated RING domain 1; minus strand). Cytogenetic location: 2q35.
Variant type: single nucleotide variant.
Coding change: c.938C>G on transcript NM_000465.4 (MANE Select); coding-DNA position 938, C replaced by G.
Protein change: p.Ser313Cys; replaces serine 313 with cysteine.
Molecular consequence: missense variant. On other transcripts: non-coding transcript variant (2), intron variant (3).
Genome position (GRCh38, 1-based): chr2:214,780,936, G>C on the plus strand (C>G on the coding strand, the complement: BARD1 is on the minus strand). VCF-style: chr2-214780936-G-C. GRCh37 (hg19) VCF-style: chr2-215645660-G-C.
Other names: c.938C>G (NM_000465.2); c.881C>G, p.Ser294Cys (NM_001282543.2); c.159-28381C>G (NM_001282548.2); c.215+16125C>G (NM_001282545.2); c.364+11361C>G (NM_001282549.2); short protein forms S294C, S313C.
Identifiers: ClinVar variation 1387009 (VCV001387009.11), dbSNP rs202118376, ClinGen allele CA2090363.
Genomic context (GRCh38, chr2:214,780,936, plus strand): 5'-GAAATGGGACTGGAAAGTCTATTGTGATGGCCACGTTTTCCATTATTTTCTAATGGCAAA[G>C]ATTTCTTAGATGTAAGATAATTTTTGCAGACCTTCTCAGGAGTCACTACTTCATTCCTGC-3'
Protein context (NP_000456.2, residues 303-323): VCKNYLTSKK[Ser313Cys]LPLENNGKRG